The following is an entry in ClinVar:

ClinVar aggregate classification (germline): Uncertain significance. Review status: criteria provided, single submitter (1 of 4 stars). 2 submissions from 2 submitters: Uncertain significance (1). 1 of the submissions does not count toward it. Last evaluated 2018-01-23.

Conditions:
SYNE1-related disorder. Also called: SYNE1-related disease; SYNE1-related condition; SYNE1-related disorders.

gnomAD v4.1: 2 of 1,613,996 alleles (0.00012%); highest among the groups gnomAD compares: Non-Finnish European, 0.00017%; no homozygotes.

Submissions (2):

Eurofins Ntd Llc (ga)
Classification: Uncertain significance. Last evaluated: 2018-01-23. Review status: criteria provided, single submitter. Criteria: EGL Classification Definitions 2015. Collection method: clinical testing. Allele origin: germline. Observed: 1 variant allele, 1 heterozygote.

PreventionGenetics, part of Exact Sciences
Classification: Uncertain significance for SYNE1-related condition. Last evaluated: 2024-05-16. Review status: no assertion criteria provided. Collection method: clinical testing. Allele origin: germline. Not counted in ClinVar's aggregate classification.
Comment: The SYNE1 c.23062A>G variant is predicted to result in the amino acid substitution p.Arg7688Gly. To our knowledge, this variant has not been reported in the literature or in a large population database, indicating this variant is rare. At this time, the clinical significance of this variant is uncertain due to the absence of conclusive functional and genetic evidence.

NM_182961.4(SYNE1):c.23275A>G (p.Arg7759Gly)

Gene: SYNE1 (spectrin repeat containing nuclear envelope protein 1; minus strand). Cytogenetic location: 6q25.2.
Variant type: single nucleotide variant.
Coding change: c.23275A>G on transcript NM_182961.4 (MANE Select); coding-DNA position 23275, A replaced by G.
Protein change: p.Arg7759Gly; replaces arginine 7759 with glycine.
Molecular consequence: missense variant.
Genome position (GRCh38, 1-based): chr6:152,189,278, T>C on the plus strand (A>G on the coding strand, the complement: SYNE1 is on the minus strand). VCF-style: chr6-152189278-T-C. GRCh37 (hg19) VCF-style: chr6-152510413-T-C.
Other names: c.23062A>G, p.Arg7688Gly (NM_033071.5); c.23062A>G (NM_033071.3); short protein forms R7688G, R7759G.
Identifiers: ClinVar variation 595796 (VCV000595796.6), dbSNP rs1254050612, ClinGen allele CA366094027.
Genomic context (GRCh38, chr6:152,189,278, plus strand): 5'-ATCAAGATAATTCCATTTTTAGAACTTATCTTACCTGGTGGCATAGTTCTTCCCACTGCC[T>C]TTGCAGAAGCTCTACGCGTTCATTAAGAATGGAGATATCATCAGCACTGATATAGGCAGA-3'
Protein context (NP_892006.3, residues 7749-7769): ILNERVELLQ[Arg7759Gly]QWEELCHQLS